The following is an entry in ClinVar:

NM_015599.3(PGM3):c.402G>C (p.Glu134Asp)

Gene: PGM3 (phosphoglucomutase 3; minus strand). Cytogenetic location: 6q14.1.
Variant type: single nucleotide variant.
Coding change: c.402G>C on transcript NM_015599.3 (MANE Select); coding-DNA position 402, G replaced by C.
Protein change: p.Glu134Asp; replaces glutamic acid 134 with aspartic acid.
Molecular consequence: missense variant. On other transcripts: non-coding transcript variant (1).
Genome position (GRCh38, 1-based): chr6:83,187,063, C>G on the plus strand (G>C on the coding strand, the complement: PGM3 is on the minus strand). VCF-style: chr6-83187063-C-G. GRCh37 (hg19) VCF-style: chr6-83896782-C-G.
Other names: c.486G>C, p.Glu162Asp (NM_001199917.2, NM_001367287.1); c.159G>C, p.Glu53Asp (NM_001199918.2); c.402G>C, p.Glu134Asp (NM_001199919.2, NM_001367286.1); short protein forms E162D, E134D, E53D.
Identifiers: ClinVar variation 2191778 (VCV002191778.2), dbSNP rs745659258, ClinGen allele CA364850656.

ClinVar aggregate classification (germline): Uncertain significance. Review status: criteria provided, multiple submitters, no conflicts (2 of 4 stars). 2 submissions from 2 submitters: Uncertain significance (2). Last evaluated 2022-05-27.

Conditions:
Immunodeficiency 23 (IMD23). Also called: IMMUNODEFICIENCY WITH HYPER IgE AND COGNITIVE IMPAIRMENT; IMMUNODEFICIENCY-VASCULITIS-MYOCLONUS SYNDROME. Identifiers: Orphanet 443811, MedGen C4014371, MONDO:0014353, OMIM 615816.

gnomAD v4.1: 4 of 1,600,388 alleles (0.00025%); highest among the groups gnomAD compares: Non-Finnish European, 0.00034%; no homozygotes.

Submissions (2):

Labcorp Genetics (formerly Invitae), Labcorp
Classification: Uncertain significance for Immunodeficiency 23. Last evaluated: 2022-05-27. Review status: criteria provided, single submitter. Criteria: Invitae Variant Classification Sherloc (09022015). Collection method: clinical testing. Allele origin: germline.
Comment: This sequence change replaces glutamic acid, which is acidic and polar, with aspartic acid, which is acidic and polar, at codon 162 of the PGM3 protein (p.Glu162Asp). This variant is present in population databases (no rsID available, gnomAD 0.007%). This variant has not been reported in the literature in individuals affected with PGM3-related conditions. Algorithms developed to predict the effect of missense changes on protein structure and function (SIFT, PolyPhen-2, Align-GVGD) all suggest that this variant is likely to be tolerated. In summary, the available evidence is currently insufficient to determine the role of this variant in disease. Therefore, it has been classified as a Variant of Uncertain Significance.

Blueprint Genetics
Classification: Uncertain significance. Last evaluated: 2020-10-28. Review status: criteria provided, single submitter. Criteria: ACMG Guidelines, 2015. Collection method: clinical testing. Allele origin: germline.